The following is an entry in ClinVar:

ClinVar aggregate classification (germline): Uncertain significance (1 of 4 stars; one submission).

Conditions:
Short stature, rhizomelic, with microcephaly, micrognathia, and developmental delay (SSMG). Also called: SHORT STATURE-MICROGNATHIA SYNDROME. Identifiers: Orphanet 659702, MedGen C4310686, MONDO:0014948, OMIM 617164.

Submission:

Laboratorio de Genetica e Diagnostico Molecular, Hospital Israelita Albert Einstein
Classification: Uncertain significance for Short stature, rhizomelic, with microcephaly, micrognathia, and developmental delay. Last evaluated: 2021-08-04. Review status: criteria provided, single submitter. Criteria: ACMG Guidelines, 2015. Collection method: clinical testing. Allele origin: germline. Affected: yes.
Comment: ACMG classification criteria: PM2 moderate, BP4 supporting

NM_001655.5(ARCN1):c.953A>G (p.Glu318Gly)

Gene: ARCN1 (archain 1; plus strand). Cytogenetic location: 11q23.3.
Variant type: single nucleotide variant.
Coding change: c.953A>G on transcript NM_001655.5 (MANE Select); coding-DNA position 953, A replaced by G.
Protein change: p.Glu318Gly; replaces glutamic acid 318 with glycine.
Molecular consequence: missense variant.
Genome position (GRCh38, 1-based): chr11:118,590,475, A>G. VCF-style: chr11-118590475-A-G. GRCh37 (hg19) VCF-style: chr11-118461190-A-G.
Other names: c.689A>G, p.Glu230Gly (NM_001142281.2); short protein forms E230G, E318G.
Identifiers: ClinVar variation 1683544 (VCV001683544.2), dbSNP rs916709319, ClinGen allele CA229544858.
Genomic context (GRCh38, chr11:118,590,475, plus strand): 5'-ATGGCATGATCATGCTTAGGATCTCAGATGACAAGTATGGCCGAATTCGTCTTCATGTGG[A>G]AAATGAAGATAAGAAAGGGGTGCAGCTACAGGTGTGTAGAAGCTTTTGATAGGGAGTATT-3'
Protein context (NP_001646.2, residues 308-328): DKYGRIRLHV[Glu318Gly]NEDKKGVQLQ